The following is an entry in ClinVar:

ClinVar aggregate classification (germline): Uncertain significance (1 of 4 stars; one submission).

Conditions:
Norman-Roberts syndrome (LIS2). Also called: Lissencephaly 2 (Norman-Roberts type). Identifiers: Orphanet 89844, MedGen C0796089, MONDO:0009760, OMIM 257320.
Familial temporal lobe epilepsy 7. Identifiers: Orphanet 101046, MedGen C4225327, MONDO:0014639, OMIM 616436.

Allele frequency attached by ClinVar (database versions not stated): gnomAD exomes below 0.00001.
gnomAD v4.1: 3 of 1,613,996 alleles (0.00019%); highest among the groups gnomAD compares: Non-Finnish European, 0.00025%; no homozygotes.

Submission:

Labcorp Genetics (formerly Invitae), Labcorp
Classification: Uncertain significance for Familial temporal lobe epilepsy 7; Norman-Roberts syndrome. Last evaluated: 2021-05-04. Review status: criteria provided, single submitter. Criteria: Invitae Variant Classification Sherloc (09022015). Collection method: clinical testing. Allele origin: germline.
Comment: In summary, the available evidence is currently insufficient to determine the role of this variant in disease. Therefore, it has been classified as a Variant of Uncertain Significance. Algorithms developed to predict the effect of missense changes on protein structure and function are either unavailable or do not agree on the potential impact of this missense change (SIFT: "Deleterious"; PolyPhen-2: "Probably Damaging"; Align-GVGD: "Class C0"). This variant has not been reported in the literature in individuals with RELN-related conditions. This variant is not present in population databases (ExAC no frequency). This sequence change replaces aspartic acid with asparagine at codon 1215 of the RELN protein (p.Asp1215Asn). The aspartic acid residue is highly conserved and there is a small physicochemical difference between aspartic acid and asparagine.

NM_005045.4(RELN):c.3643G>A (p.Asp1215Asn)

Gene: RELN (reelin; minus strand). Cytogenetic location: 7q22.1.
Variant type: single nucleotide variant.
Coding change: c.3643G>A on transcript NM_005045.4 (MANE Select); coding-DNA position 3643, G replaced by A.
Protein change: p.Asp1215Asn; replaces aspartic acid 1215 with asparagine.
Molecular consequence: missense variant.
Genome position (GRCh38, 1-based): chr7:103,594,389, C>T on the plus strand (G>A on the coding strand, the complement: RELN is on the minus strand). VCF-style: chr7-103594389-C-T. GRCh37 (hg19) VCF-style: chr7-103234836-C-T.
Other names: c.3643G>A, p.Asp1215Asn (NM_173054.3); short protein forms D1215N.
Identifiers: ClinVar variation 1407074 (VCV001407074.8), dbSNP rs1252404801, ClinGen allele CA368758569.
Genomic context (GRCh38, chr7:103,594,389, plus strand): 5'-AAGTTGGATTGATAACTGGGATGATCTGCTTCTGCTTCTCGGACAGAATGATGATGTCAT[C>T]GACTGCCCACTGGTCATAGTCCTCCCCTGAGAACACGGGCTGCCACCAGCGGAACCTGGT-3'
Protein context (NP_005036.2, residues 1205-1225): SGEDYDQWAV[Asp1215Asn]DIIILSEKQK